The following is an entry in ClinVar:

NM_001098.3(ACO2):c.1926C>T (p.Pro642=)

Genes: ACO2 (aconitase 2; plus strand), POLR3H (RNA polymerase III subunit H; minus strand). Cytogenetic location: 22q13.2.
Variant type: single nucleotide variant.
Coding change: c.1926C>T on transcript NM_001098.3 (MANE Select); coding-DNA position 1926, C replaced by T.
Protein change: p.Pro642=; no amino-acid change (proline 642 retained).
Molecular consequence: synonymous variant. On other transcripts: 3 prime UTR variant (5).
Genome position (GRCh38, 1-based): chr22:41,526,426, C>T. VCF-style: chr22-41526426-C-T. GRCh37 (hg19) VCF-style: chr22-41922430-C-T.
Other names: c.*2857G>A (NM_001018050.4, NM_001018052.4, NM_001282884.2 and 2 more transcripts).
Identifiers: ClinVar variation 762939 (VCV000762939.11), dbSNP rs150391290, ClinGen allele CA10257809.

ClinVar aggregate classification (germline): Likely benign. Review status: criteria provided, multiple submitters, no conflicts (2 of 4 stars). 3 submissions from 3 submitters: Likely benign (3). Last evaluated 2026-06-27.

Conditions:
ACO2-related disorder. Also called: ACO2-Related Disorders.

Allele frequency attached by ClinVar (database versions not stated): ExAC 0.00002; gnomAD exomes 0.00002; gnomAD 0.00006; 1000 Genomes Project 0.00020; ESP Exome Variant Server 0.00008; TOPMed 0.00008; 1000 Genomes Project 30x 0.00016.
gnomAD v4.1: 43 of 1,613,508 alleles (0.0027%); highest among the groups gnomAD compares: Middle Eastern, 0.017%; no homozygotes.

Submissions (3):

PreventionGenetics, part of Exact Sciences
Classification: Likely benign for ACO2-related condition. Last evaluated: 2026-06-27. Review status: criteria provided, single submitter. Criteria: ACMG Guidelines, 2015. Collection method: clinical testing. Allele origin: germline.
Comment: This variant is classified as likely benign based on ACMG/AMP sequence variant interpretation guidelines (Richards et al. 2015 PMID: 25741868, with internal and published modifications).

Labcorp Genetics (formerly Invitae), Labcorp
Classification: Likely benign. Last evaluated: 2025-12-15. Review status: criteria provided, single submitter. Criteria: Invitae Variant Classification Sherloc (09022015). Collection method: clinical testing. Allele origin: germline.

Blueprint Genetics
Classification: Likely benign. Last evaluated: 2022-03-30. Review status: criteria provided, single submitter. Criteria: ACMG Guidelines, 2015. Collection method: clinical testing. Allele origin: germline.